The following is an entry in ClinVar:

NM_002485.5(NBN):c.2190A>G (p.Gln730=)

Gene: NBN (nibrin; minus strand). Cytogenetic location: 8q21.3.
Variant type: single nucleotide variant.
Coding change: c.2190A>G on transcript NM_002485.5 (MANE Select); coding-DNA position 2190, A replaced by G.
Protein change: p.Gln730=; no amino-acid change (glutamine 730 retained).
Molecular consequence: synonymous variant.
Genome position (GRCh38, 1-based): chr8:89,937,070, T>C on the plus strand (A>G on the coding strand, the complement: NBN is on the minus strand). VCF-style: chr8-89937070-T-C. GRCh37 (hg19) VCF-style: chr8-90949298-T-C.
Other names: c.1944A>G, p.Gln648= (NM_001024688.3).
Identifiers: ClinVar variation 186646 (VCV000186646.17), dbSNP rs786203112, ClinGen allele CA195427.
Genomic context (GRCh38, chr8:89,937,070, plus strand): 5'-GTGAATCAAACTTTACCTAAAAAGATCATCAGCAAGAGACTCTTCTTTTGCATGTTGATT[T>C]TGTACCTGTCAAAATTAACATAATTTCAAACATTTGCTCAGTGGTGAATATATAGTTAAT-3'
Protein context (NP_002476.2, residues 720-740): EEWLRQEMEV[Gln730=]NQHAKEESLA

ClinVar aggregate classification (germline): Likely benign. Review status: criteria provided, multiple submitters, no conflicts (2 of 4 stars). 4 submissions from 4 submitters: Likely benign (4). Last evaluated 2024-11-18.

Conditions:
Hereditary cancer-predisposing syndrome. Also called: Hereditary Cancer Syndrome; Neoplastic Syndromes, Hereditary; Tumor predisposition; Hereditary neoplastic syndrome. Identifiers: Orphanet 140162, MedGen C0027672, MeSH D009386, MONDO:0015356.
Microcephaly, normal intelligence and immunodeficiency (NBS). Also called: IMMUNODEFICIENCY, MICROCEPHALY, AND CHROMOSOMAL INSTABILITY; SEEMANOVA SYNDROME II; Immunodeficiency, microcephaly with normal intelligence; Ataxia telangiectasia variant V1; Nijmegen breakage syndrome; Microcephaly with normal intelligence immunodeficiency and lymphoreticular malignancies. Identifiers: Orphanet 647, MedGen C0398791, MONDO:0009623, OMIM 251260.

Allele frequency attached by ClinVar (database versions not stated): gnomAD exomes below 0.00001; gnomAD 0.00001 and 0.00002; TOPMed 0.00001.
gnomAD v4.1: 3 of 1,612,294 alleles (0.00019%); highest among the groups gnomAD compares: African/African-American, 0.004%; no homozygotes.

Submissions (4):

Labcorp Genetics (formerly Invitae), Labcorp
Classification: Likely benign for Microcephaly, normal intelligence and immunodeficiency. Last evaluated: 2024-11-18. Review status: criteria provided, single submitter. Criteria: Invitae Variant Classification Sherloc (09022015). Collection method: clinical testing. Allele origin: germline.

Sema4
Classification: Likely benign for Hereditary cancer-predisposing syndrome. Last evaluated: 2021-10-22. Review status: criteria provided, single submitter. Criteria: Sema4 Curation Guidelines. Collection method: curation. Allele origin: germline.

GeneDx
Classification: Likely benign. Last evaluated: 2017-12-28. Review status: criteria provided, single submitter. Criteria: GeneDx Variant Classification (06012015). Collection method: clinical testing. Allele origin: germline. Affected: yes.
Comment: This variant is considered likely benign or benign based on one or more of the following criteria: it is a conservative change, it occurs at a poorly conserved position in the protein, it is predicted to be benign by multiple in silico algorithms, and/or has population frequency not consistent with disease.

Ambry Genetics
Classification: Likely benign for Hereditary cancer-predisposing syndrome. Last evaluated: 2014-10-09. Review status: criteria provided, single submitter. Criteria: Ambry Variant Classification Scheme 2023. Collection method: clinical testing. Allele origin: germline.